The following is an entry in ClinVar:

NM_001329943.3(KIAA0586):c.2668G>A (p.Glu890Lys)

Gene: KIAA0586 (KIAA0586; plus strand). Cytogenetic location: 14q23.1.
Variant type: single nucleotide variant.
Coding change: c.2668G>A on transcript NM_001329943.3 (MANE Select); coding-DNA position 2668, G replaced by A.
Protein change: p.Glu890Lys; replaces glutamic acid 890 with lysine.
Molecular consequence: missense variant.
Genome position (GRCh38, 1-based): chr14:58,474,640, G>A. VCF-style: chr14-58474640-G-A. GRCh37 (hg19) VCF-style: chr14-58941358-G-A.
Other names: c.2827G>A, p.Glu943Lys (NM_001244189.2); c.2623G>A, p.Glu875Lys (NM_001244190.2); c.2413G>A, p.Glu805Lys (NM_001244191.2, NM_001329945.2, NM_001364700.1 and 1 more transcripts); c.2536G>A, p.Glu846Lys (NM_001244192.2); c.2248G>A, p.Glu750Lys (NM_001244193.2); c.2668G>A, p.Glu890Lys (NM_001329944.2, NM_001329946.2, NM_001329947.2); c.2440G>A, p.Glu814Lys (NM_014749.5); short protein forms E750K, E805K, E814K, E846K, E875K, E890K, E943K.
Identifiers: ClinVar variation 3757685 (VCV003757685.1).

ClinVar aggregate classification (germline): Uncertain significance (1 of 4 stars; one submission).

Conditions:
Joubert syndrome 23 (JBTS23). Identifiers: Orphanet 475, MedGen C4084822, MONDO:0014664, OMIM 616490.
Short-rib thoracic dysplasia 14 with polydactyly (SRTD14). Identifiers: Orphanet 397715, MedGen C4225286, MONDO:0014688, OMIM 616546.

Submission:

Labcorp Genetics (formerly Invitae), Labcorp
Classification: Uncertain significance for Joubert syndrome 23; Short-rib thoracic dysplasia 14 with polydactyly. Last evaluated: 2025-01-28. Review status: criteria provided, single submitter. Criteria: Invitae Variant Classification Sherloc (09022015). Collection method: clinical testing. Allele origin: germline.
Comment: This sequence change replaces glutamic acid, which is acidic and polar, with lysine, which is basic and polar, at codon 943 of the KIAA0586 protein (p.Glu943Lys). This variant is not present in population databases (gnomAD no frequency). This variant has not been reported in the literature in individuals affected with KIAA0586-related conditions. Invitae Evidence Modeling of protein sequence and biophysical properties (such as structural, functional, and spatial information, amino acid conservation, physicochemical variation, residue mobility, and thermodynamic stability) indicates that this missense variant is expected to disrupt KIAA0586 protein function with a positive predictive value of 80%. In summary, the available evidence is currently insufficient to determine the role of this variant in disease. Therefore, it has been classified as a Variant of Uncertain Significance.